The following is an entry in ClinVar:

NM_001861.6(COX4I1):c.159G>A (p.Lys53=)

Gene: COX4I1 (cytochrome c oxidase subunit 4I1; plus strand). Cytogenetic location: 16q24.1.
Variant type: single nucleotide variant.
Coding change: c.159G>A on transcript NM_001861.6 (MANE Select); coding-DNA position 159, G replaced by A.
Protein change: p.Lys53=; no amino-acid change (lysine 53 retained).
Molecular consequence: synonymous variant. On other transcripts: 5 prime UTR variant (1).
Genome position (GRCh38, 1-based): chr16:85,805,022, G>A. VCF-style: chr16-85805022-G-A. GRCh37 (hg19) VCF-style: chr16-85838628-G-A.
Other names: c.159G>A, p.Lys53= (NM_001318786.3, NM_001318788.2, NM_001318794.2); c.45G>A, p.Lys15= (NM_001318797.3); c.-68G>A (NM_001318802.2).
Identifiers: ClinVar variation 710577 (VCV000710577.9), dbSNP rs755549888, ClinGen allele CA8216554.

ClinVar aggregate classification (germline): Benign/Likely benign. Review status: criteria provided, multiple submitters, no conflicts (2 of 4 stars). 3 submissions from 3 submitters: Benign (1); Likely benign (1). 1 of the submissions does not count toward it. Last evaluated 2026-09-01.

Conditions:
COX4I1-related disorder. Also called: COX4I1-related condition.

Allele frequency attached by ClinVar (database versions not stated): gnomAD exomes 0.00041 and 0.00205; gnomAD 0.00057 and 0.00061; TOPMed 0.00125; ExAC 0.00146.
gnomAD v4.1: 671 of 1,614,072 alleles (0.042%); highest among the groups gnomAD compares: Admixed American, 1.1%; 6 homozygotes.

Submissions (3):

CeGaT Center for Human Genetics Tuebingen
Classification: Likely benign. Last evaluated: 2026-09-01. Review status: criteria provided, single submitter. Criteria: CeGaT Center For Human Genetics Tuebingen Variant Classification Criteria Version 2. Collection method: clinical testing. Allele origin: germline. Affected: yes. Observed: 5 variant alleles.
Comment: COX4I1: BP4, BP7, BS1

Labcorp Genetics (formerly Invitae), Labcorp
Classification: Benign. Last evaluated: 2018-06-22. Review status: criteria provided, single submitter. Criteria: Invitae Variant Classification Sherloc (09022015). Collection method: clinical testing. Allele origin: germline.

PreventionGenetics, part of Exact Sciences
Classification: Benign for COX4I1-related condition. Last evaluated: 2023-12-11. Review status: no assertion criteria provided. Collection method: clinical testing. Allele origin: germline. Not counted in ClinVar's aggregate classification.
Comment: This variant is classified as benign based on ACMG/AMP sequence variant interpretation guidelines (Richards et al. 2015 PMID: 25741868, with internal and published modifications).